The following is an entry in ClinVar:

NM_001355436.2(SPTB):c.2805-3C>G

Gene: SPTB (spectrin beta, erythrocytic; minus strand). Cytogenetic location: 14q23.3.
Variant type: single nucleotide variant.
Coding change: c.2805-3C>G on transcript NM_001355436.2 (MANE Select); 3 bases into the intron before coding-DNA position 2805, C replaced by G.
Molecular consequence: intron variant.
Genome position (GRCh38, 1-based): chr14:64,787,163, G>C on the plus strand (C>G on the coding strand, the complement: SPTB is on the minus strand). VCF-style: chr14-64787163-G-C. GRCh37 (hg19) VCF-style: chr14-65253881-G-C.
Other names: c.2805-3C>G (NM_001024858.4, NM_001355437.2).
Identifiers: ClinVar variation 2699765 (VCV002699765.3), dbSNP rs2503133467, ClinGen allele CA2697553951.

ClinVar aggregate classification (germline): Uncertain significance (1 of 4 stars; one submission).

Submission:

Labcorp Genetics (formerly Invitae), Labcorp
Classification: Uncertain significance. Last evaluated: 2025-02-10. Review status: criteria provided, single submitter. Criteria: Invitae Variant Classification Sherloc (09022015). Collection method: clinical testing. Allele origin: germline.
Comment: This sequence change falls in intron 14 of the SPTB gene. It does not directly change the encoded amino acid sequence of the SPTB protein. It affects a nucleotide within the consensus splice site. This variant is not present in population databases (gnomAD no frequency). This variant has not been reported in the literature in individuals affected with SPTB-related conditions. ClinVar contains an entry for this variant (Variation ID: 2699765). Variants that disrupt the consensus splice site are a relatively common cause of aberrant splicing (PMID: 17576681, 9536098). Algorithms developed to predict the effect of sequence changes on RNA splicing suggest that this variant may disrupt the consensus splice site. In summary, the available evidence is currently insufficient to determine the role of this variant in disease. Therefore, it has been classified as a Variant of Uncertain Significance.

Literature cited by the submitters: PubMed 17576681; PubMed 9536098.